The following is an entry in ClinVar:

ClinVar aggregate classification (germline): Uncertain significance (1 of 4 stars; one submission).

Submission:

GeneDx
Classification: Uncertain significance. Last evaluated: 2023-12-07. Review status: criteria provided, single submitter. Criteria: GeneDx Variant Classification Process June 2021. Collection method: clinical testing. Allele origin: germline. Affected: yes.
Comment: Not observed at significant frequency in large population cohorts (gnomAD); In silico analysis supports that this missense variant does not alter protein structure/function; Has not been previously published as pathogenic or benign to our knowledge

NM_013275.6(ANKRD11):c.1696T>C (p.Ser566Pro)

Gene: ANKRD11 (ankyrin repeat domain containing 11; minus strand). Cytogenetic location: 16q24.3.
Variant type: single nucleotide variant.
Coding change: c.1696T>C on transcript NM_013275.6 (MANE Select); coding-DNA position 1696, T replaced by C.
Protein change: p.Ser566Pro; replaces serine 566 with proline.
Molecular consequence: missense variant.
Genome position (GRCh38, 1-based): chr16:89,284,846, A>G on the plus strand (T>C on the coding strand, the complement: ANKRD11 is on the minus strand). VCF-style: chr16-89284846-A-G. GRCh37 (hg19) VCF-style: chr16-89351254-A-G.
Other names: c.1696T>C, p.Ser566Pro (NM_001256182.2, NM_001256183.2); short protein forms S566P.
Identifiers: ClinVar variation 3365190 (VCV003365190.1).